The following is an entry in ClinVar:

NM_000093.5(COL5A1):c.5414C>T (p.Pro1805Leu)

Genes: COL5A1 (collagen type V alpha 1 chain; plus strand), LOC101448202 (uncharacterized LOC101448202; minus strand). Cytogenetic location: 9q34.3.
Variant type: single nucleotide variant.
Coding change: c.5414C>T on transcript NM_000093.5 (MANE Select); coding-DNA position 5414, C replaced by T.
Protein change: p.Pro1805Leu; replaces proline 1805 with leucine.
Molecular consequence: missense variant.
Genome position (GRCh38, 1-based): chr9:134,842,200, C>T. VCF-style: chr9-134842200-C-T. GRCh37 (hg19) VCF-style: chr9-137734046-C-T.
Other names: c.5414C>T, p.Pro1805Leu (NM_001278074.1); short protein forms P1805L.
Identifiers: ClinVar variation 1989610 (VCV001989610.5), dbSNP rs377563294, ClinGen allele CA5320745.

ClinVar aggregate classification (germline): Conflicting classifications of pathogenicity. Review status: criteria provided, conflicting classifications (1 of 4 stars). 2 submissions from 2 submitters: Uncertain significance (1); Likely benign (1). Last evaluated 2025-07-29.

Conditions:
Ehlers-Danlos syndrome, classic type, 1 (EDSCL1). Also called: EHLERS-DANLOS SYNDROME, GRAVIS TYPE; EHLERS-DANLOS SYNDROME, SEVERE CLASSIC TYPE; Ehlers-Danlos syndrome, type 1; EDS I; Ehlers-Danlos Syndrome, Classic Type, COL5A1-Related. Identifiers: MedGen C0268335, MONDO:0019567, OMIM 130000.

Allele frequency attached by ClinVar (database versions not stated): ESP Exome Variant Server 0.00008.
gnomAD v4.1: 10 of 1,614,086 alleles (0.00062%); highest among the groups gnomAD compares: Non-Finnish European, 0.00085%; no homozygotes.

Submissions (2):

ARUP Laboratories, Molecular Genetics and Genomics, ARUP Laboratories
Classification: Uncertain significance. Last evaluated: 2025-07-29. Review status: criteria provided, single submitter. Criteria: ARUP Molecular Germline Variant Investigation Process 2024. Collection method: clinical testing. Allele origin: germline.
Comment: The COL5A1 c.5414C>T; p.Pro1805Leu variant (rs377563294), to our knowledge, is not reported in the medical literature but is reported in ClinVar (Variation ID: 1989610). This variant is only observed on two alleles in the Genome Aggregation Database (v2.1.1), indicating it is not a common polymorphism. Computational analyses are uncertain whether this variant is neutral or deleterious (REVEL: 0.293). Due to limited information, the clinical significance of this variant is uncertain at this time.

Labcorp Genetics (formerly Invitae), Labcorp
Classification: Likely benign for Ehlers-Danlos syndrome, classic type, 1. Last evaluated: 2022-03-26. Review status: criteria provided, single submitter. Criteria: Invitae Variant Classification Sherloc (09022015). Collection method: clinical testing. Allele origin: germline.